The following is an entry in ClinVar:

ClinVar aggregate classification (germline): Pathogenic. Review status: criteria provided, multiple submitters, no conflicts (2 of 4 stars). 3 submissions from 3 submitters: Pathogenic (3). Last evaluated 2021-07-22.

Conditions:
Duchenne muscular dystrophy (DMD). Also called: Duchenne Muscular Dystrophy (DMD); MUSCULAR DYSTROPHY, PSEUDOHYPERTROPHIC PROGRESSIVE, DUCHENNE TYPE. Identifiers: Orphanet 98896, MedGen C0013264, MONDO:0010679, OMIM 310200.

Submissions (3):

Genome-Nilou Lab
Classification: Pathogenic for Duchenne muscular dystrophy. Last evaluated: 2021-07-22. Review status: criteria provided, single submitter. Criteria: ACMG Guidelines, 2015. Collection method: clinical testing. Allele origin: germline. Affected: no.

Mendelics
Classification: Pathogenic for Duchenne muscular dystrophy. Last evaluated: 2019-05-28. Review status: criteria provided, single submitter. Criteria: Mendelics Assertion Criteria 2017. Collection method: clinical testing. Allele origin: unknown.

Labcorp Genetics (formerly Invitae), Labcorp
Classification: Pathogenic for Duchenne muscular dystrophy. Last evaluated: 2017-10-23. Review status: criteria provided, single submitter. Criteria: Invitae Variant Classification Sherloc (09022015). Collection method: clinical testing. Allele origin: germline.
Comment: This sequence change creates a premature translational stop signal (p.Asn3456Metfs*10) in the DMD gene. It is expected to result in an absent or disrupted protein product. This variant is not present in population databases (ExAC no frequency). This variant has not been reported in the literature in individuals with DMD-related disease. Loss-of-function variants in DMD are known to be pathogenic (PMID: 16770791, 25007885). For these reasons, this variant has been classified as Pathogenic.

NM_004006.3(DMD):c.10367del (p.Asn3456fs)

Gene: DMD (dystrophin; minus strand). Cytogenetic location: Xp21.2.
Variant type: Deletion.
Coding change: c.10367del on transcript NM_004006.3 (MANE Select); coding-DNA position 10367, one base deleted (A; older notation c.10367delA).
Protein change: p.Asn3456fs; shifts the reading frame from asparagine 3456.
Molecular consequence: frameshift variant. On other transcripts: intron variant (2).
Genome position (GRCh38, 1-based): chrX:31,172,375, T deleted on the plus strand (A on the coding strand, the reverse complement: DMD is on the minus strand); the first of 3 consecutive T bases (chrX:31,172,375-31,172,377); deleting any one gives the same sequence. VCF-style (leftmost placement, unchanged base first): chrX-31172374-AT-A. GRCh37 (hg19) VCF-style: chrX-31190491-AT-A.
Other names: c.10343del, p.Asn3448fs (NM_000109.4); c.10355del, p.Asn3452fs (NM_004009.3); c.9998del, p.Asn3333fs (NM_004010.3); c.6344del, p.Asn2115fs (NM_004011.4); c.6335del, p.Asn2112fs (NM_004012.4); c.2987del, p.Asn996fs (NM_004013.3, NM_004021.3); c.2180del, p.Asn727fs (NM_004014.3); c.1163del, p.Asn388fs (NM_004015.3, NM_004016.3); and 4 more; short protein forms N3333fs, N3452fs, N2112fs, N3448fs, N375fs, N727fs, N983fs, N996fs.
Identifiers: ClinVar variation 526049 (VCV000526049.5), dbSNP rs1556028034, ClinGen allele CA658799633.
Genomic context (GRCh38, chrX:31,172,374, plus strand): 5'-AGGAACATTTTGTAAAAAGAGATGGGATACTTACATGCTCTCATTAGGAGAGATGCTATC[AT>A]TTAGATAAGATCCATTGCTGTTTTCCATTTCTGCTAGCCTGATAAAAAACGTAAAAGCTC-3'